The following is an entry in ClinVar:

ClinVar aggregate classification (germline): Uncertain significance (1 of 4 stars; one submission).

Allele frequency attached by ClinVar (database versions not stated): gnomAD 0.00001; gnomAD exomes 0.00001; TOPMed 0.00001.
gnomAD v4.1: 17 of 1,550,208 alleles (0.0011%); highest among the groups gnomAD compares: East Asian, 0.0025%; no homozygotes.

Submission:

Labcorp Genetics (formerly Invitae), Labcorp
Classification: Uncertain significance. Last evaluated: 2025-12-16. Review status: criteria provided, single submitter. Criteria: Invitae Variant Classification Sherloc (09022015). Collection method: clinical testing. Allele origin: germline.
Comment: This sequence change replaces alanine, which is neutral and non-polar, with valine, which is neutral and non-polar, at codon 99 of the RELB protein (p.Ala99Val). The frequency data for this variant in the population databases is considered unreliable, as metrics indicate poor data quality at this position in the gnomAD database. This variant has not been reported in the literature in individuals affected with RELB-related conditions. ClinVar contains an entry for this variant (Variation ID: 3007702). An algorithm developed to predict the effect of missense changes on protein structure and function (PolyPhen-2) suggests that this variant is likely to be tolerated. In summary, the available evidence is currently insufficient to determine the role of this variant in disease. Therefore, it has been classified as a Variant of Uncertain Significance.

NM_006509.4(RELB):c.296C>T (p.Ala99Val)

Gene: RELB (RELB proto-oncogene, NF-kB subunit; plus strand). Cytogenetic location: 19q13.32.
Variant type: single nucleotide variant.
Coding change: c.296C>T on transcript NM_006509.4 (MANE Select); coding-DNA position 296, C replaced by T.
Protein change: p.Ala99Val; replaces alanine 99 with valine.
Molecular consequence: missense variant.
Genome position (GRCh38, 1-based): chr19:45,012,068, C>T. VCF-style: chr19-45012068-C-T. GRCh37 (hg19) VCF-style: chr19-45515326-C-T.
Other names: c.287C>T, p.Ala96Val (NM_001411087.1); short protein forms A96V, A99V.
Identifiers: ClinVar variation 3007702 (VCV003007702.3), dbSNP rs1171624914, ClinGen allele CA406322064.